The following is an entry in ClinVar:

ClinVar aggregate classification (germline): Conflicting classifications of pathogenicity. Review status: criteria provided, conflicting classifications (1 of 4 stars). 3 submissions from 3 submitters: Uncertain significance (2); Likely benign (1). Last evaluated 2025-02-17.

Conditions:
RYR1-related disorder. Also called: RYR1-related condition; RYR1-related disorders. Identifiers: MedGen CN239331.
Malignant hyperthermia, susceptibility to, 1 (MHS1). Also called: RYR1-Related Malignant Hyperthermia Susceptibility; Malignant hyperthermia suceptibility 1; Anesthesia related hyperthermia; Malignant hyperpyrexia; Fulminating hyperpyrexia; Pharmacogenic myopathy. Identifiers: Orphanet 423, MedGen C2930980, MONDO:0007783, OMIM 145600.

Allele frequency attached by ClinVar (database versions not stated): gnomAD 0.00001 and 0.00002; gnomAD exomes 0.00001; TOPMed 0.00001; ExAC 0.00003.
gnomAD v4.1: 15 of 1,614,042 alleles (0.00093%); highest among the groups gnomAD compares: Admixed American, 0.0033%; no homozygotes.

Submissions (3):

Labcorp Genetics (formerly Invitae), Labcorp
Classification: Uncertain significance for RYR1-related disorder. Last evaluated: 2025-02-17. Review status: criteria provided, single submitter. Criteria: Invitae Variant Classification Sherloc (09022015). Collection method: clinical testing. Allele origin: germline.
Comment: This sequence change replaces lysine, which is basic and polar, with arginine, which is basic and polar, at codon 4523 of the RYR1 protein (p.Lys4523Arg). This variant is present in population databases (rs762657816, gnomAD 0.002%). This variant has not been reported in the literature in individuals affected with RYR1-related conditions. ClinVar contains an entry for this variant (Variation ID: 382302). Invitae Evidence Modeling of protein sequence and biophysical properties (such as structural, functional, and spatial information, amino acid conservation, physicochemical variation, residue mobility, and thermodynamic stability) indicates that this missense variant is not expected to disrupt RYR1 protein function with a negative predictive value of 80%. In summary, the available evidence is currently insufficient to determine the role of this variant in disease. Therefore, it has been classified as a Variant of Uncertain Significance.

All of Us Research Program, National Institutes of Health
Classification: Uncertain significance for Malignant hyperthermia, susceptibility to, 1. Last evaluated: 2024-03-05. Review status: criteria provided, single submitter. Criteria: ACMG Guidelines, 2015. Collection method: clinical testing. Allele origin: germline. Inheritance: Autosomal dominant inheritance. Observed: 2 variant alleles, 2 heterozygotes.
Comment: This missense variant replaces lysine with arginine at codon 4523 of the RYR1 protein. Computational prediction suggests that this variant may not impact protein structure and function (internally defined REVEL score threshold <= 0.5, PMID: 27666373). To our knowledge, functional studies have not been reported for this variant. This variant has not been reported in individuals affected with RYR1-related disorders in the literature. This variant has been identified in 5/280418 chromosomes in the general population by the Genome Aggregation Database (gnomAD). The available evidence is insufficient to determine the role of this variant in disease conclusively. Therefore, this variant is classified as a Variant of Uncertain Significance.

This study involves interpretation of variants in research participants for the purpose of population health screening. Participant phenotype was not available at the time of variant classification. Additional details can be found in publication PMID: 35346344, PMCID: PMC8962531

GeneDx
Classification: Likely benign. Last evaluated: 2015-12-21. Review status: criteria provided, single submitter. Criteria: GeneDx Variant Classification (06012015). Collection method: clinical testing. Allele origin: germline. Affected: yes.
Comment: This variant is considered likely benign or benign based on one or more of the following criteria: it is a conservative change, it occurs at a poorly conserved position in the protein, it is predicted to be benign by multiple in silico algorithms, and/or has population frequency not consistent with disease.

NM_000540.3(RYR1):c.13568A>G (p.Lys4523Arg)

Gene: RYR1 (ryanodine receptor 1; plus strand). Cytogenetic location: 19q13.2.
Variant type: single nucleotide variant.
Coding change: c.13568A>G on transcript NM_000540.3 (MANE Select); coding-DNA position 13568, A replaced by G.
Protein change: p.Lys4523Arg; replaces lysine 4523 with arginine.
Molecular consequence: missense variant.
Genome position (GRCh38, 1-based): chr19:38,567,826, A>G. VCF-style: chr19-38567826-A-G. GRCh37 (hg19) VCF-style: chr19-39058466-A-G.
Other names: c.13553A>G, p.Lys4518Arg (NM_001042723.2); short protein forms K4523R, K4518R.
Identifiers: ClinVar variation 382302 (VCV000382302.6), dbSNP rs762657816, ClinGen allele CA080935.
Genomic context (GRCh38, chr19:38,567,826, plus strand): 5'-CCTGCAGTGCCGAGAATGGGGAGAAGGAAGAAGTTCCCGAGCCCACACCAGAGCCCCCCA[A>G]GAAGCAAGCACCTCCCTCACCCCCTCCAAAGAAGGAGGAAGCTGGAGGCGAATTCTGGGG-3'
Protein context (NP_000531.2, residues 4513-4533): EVPEPTPEPP[Lys4523Arg]KQAPPSPPPK